The following is an entry in ClinVar:

NM_198525.3(KIF7):c.2321T>C (p.Leu774Pro)

Gene: KIF7 (kinesin family member 7; minus strand). Cytogenetic location: 15q26.1.
Variant type: single nucleotide variant.
Coding change: c.2321T>C on transcript NM_198525.3 (MANE Select); coding-DNA position 2321, T replaced by C.
Protein change: p.Leu774Pro; replaces leucine 774 with proline.
Molecular consequence: missense variant.
Genome position (GRCh38, 1-based): chr15:89,642,276, A>G on the plus strand (T>C on the coding strand, the complement: KIF7 is on the minus strand). VCF-style: chr15-89642276-A-G. GRCh37 (hg19) VCF-style: chr15-90185507-A-G.
Other names: short protein forms L774P.
Identifiers: ClinVar variation 317360 (VCV000317360.13), dbSNP rs762864604, ClinGen allele CA7728237.

ClinVar aggregate classification (germline): Conflicting classifications of pathogenicity. Review status: criteria provided, conflicting classifications (1 of 4 stars). 5 submissions from 5 submitters: Uncertain significance (4); Likely benign (1). Last evaluated 2024-12-02.

Conditions:
Acrocallosal syndrome (ACLS). Also called: HALLUX DUPLICATION, POSTAXIAL POLYDACTYLY, AND ABSENCE OF CORPUS CALLOSUM; Schinzel syndrome 1; Absence of corpus callosum with unusual facial appearance, mental deficiency, duplication of the halluces and polydactyly. Identifiers: Orphanet 36, MedGen C0796147, MONDO:0008708, OMIM 200990.
Inborn genetic diseases. Identifiers: MedGen C0950123, MeSH D030342.

Allele frequency attached by ClinVar (database versions not stated): gnomAD 0.00003; gnomAD exomes 0.00004; TOPMed 0.00005.
gnomAD v4.1: 67 of 1,610,116 alleles (0.0042%); highest among the groups gnomAD compares: Middle Eastern, 0.036%; no homozygotes.

Submissions (5):

Labcorp Genetics (formerly Invitae), Labcorp
Classification: Uncertain significance for Acrocallosal syndrome. Last evaluated: 2024-12-02. Review status: criteria provided, single submitter. Criteria: Invitae Variant Classification Sherloc (09022015). Collection method: clinical testing. Allele origin: germline.
Comment: This sequence change replaces leucine, which is neutral and non-polar, with proline, which is neutral and non-polar, at codon 774 of the KIF7 protein (p.Leu774Pro). This variant is present in population databases (rs762864604, gnomAD 0.07%). This variant has not been reported in the literature in individuals affected with KIF7-related conditions. ClinVar contains an entry for this variant (Variation ID: 317360). Invitae Evidence Modeling of protein sequence and biophysical properties (such as structural, functional, and spatial information, amino acid conservation, physicochemical variation, residue mobility, and thermodynamic stability) indicates that this missense variant is not expected to disrupt KIF7 protein function with a negative predictive value of 80%. In summary, the available evidence is currently insufficient to determine the role of this variant in disease. Therefore, it has been classified as a Variant of Uncertain Significance.

Blueprint Genetics
Classification: Likely benign. Last evaluated: 2024-11-04. Review status: criteria provided, single submitter. Criteria: ACMG Guidelines, 2015. Collection method: clinical testing. Allele origin: germline.

Revvity Omics, Revvity
Classification: Uncertain significance. Last evaluated: 2021-05-03. Review status: criteria provided, single submitter. Criteria: ACMG Guidelines, 2015. Collection method: clinical testing. Allele origin: germline.

Ambry Genetics
Classification: Uncertain significance for Inborn genetic diseases. Last evaluated: 2020-12-15. Review status: criteria provided, single submitter. Criteria: Ambry Variant Classification Scheme 2023. Collection method: clinical testing. Allele origin: germline.
Comment: The c.2321T>C (p.L774P) alteration is located in exon 11 (coding exon 10) of the KIF7 gene. This alteration results from a T to C substitution at nucleotide position 2321, causing the leucine (L) at amino acid position 774 to be replaced by a proline (P). The p.L774P alteration is predicted to be tolerated by in silico analysis. Based on insufficient or conflicting evidence, the clinical significance of this alteration remains unclear.

Illumina Laboratory Services, Illumina
Classification: Uncertain significance for Acrocallosal syndrome. Last evaluated: 2018-01-13. Review status: criteria provided, single submitter. Criteria: ICSL Variant Classification Criteria 13 December 2019. Collection method: clinical testing. Allele origin: germline.